The following is an entry in ClinVar:

NM_024642.5(GALNT12):c.103T>C (p.Ser35Pro)

Genes: GALNT12 (polypeptide N-acetylgalactosaminyltransferase 12; plus strand), LOC130002222 (ATAC-STARR-seq lymphoblastoid silent region 20123; plus strand). Cytogenetic location: 9q22.33.
Variant type: single nucleotide variant.
Coding change: c.103T>C on transcript NM_024642.5 (MANE Select); coding-DNA position 103, T replaced by C.
Protein change: p.Ser35Pro; replaces serine 35 with proline.
Molecular consequence: missense variant.
Genome position (GRCh38, 1-based): chr9:98,807,801, T>C. VCF-style: chr9-98807801-T-C. GRCh37 (hg19) VCF-style: chr9-101570083-T-C.
Other names: short protein forms S35P.
Identifiers: ClinVar variation 1773828 (VCV001773828.2), dbSNP rs2118255799, ClinGen allele CA374222273.
Genomic context (GRCh38, chr9:98,807,801, plus strand): 5'-CGGCGCGGCCGGGAGGCGCTGTTGGTGCTCCTGGCGCTACTGGCGTTGGCCGGGCTGGGC[T>C]CGGTGCTGCGGGCGCAGCGTGGGGCCGGGGCCGGGGCTGCCGAGCCGGGACCCCCGCGCA-3'
Protein context (NP_078918.3, residues 25-45): LALLALAGLG[Ser35Pro]VLRAQRGAGA

ClinVar aggregate classification (germline): Uncertain significance (1 of 4 stars; one submission).

Submission:

Ambry Genetics
Classification: Uncertain significance. Last evaluated: 2021-11-21. Review status: criteria provided, single submitter. Criteria: Ambry Variant Classification Scheme 2023. Collection method: clinical testing. Allele origin: germline.
Comment: The p.S35P variant (also known as c.103T>C), located in coding exon 1 of the GALNT12 gene, results from a T to C substitution at nucleotide position 103. The serine at codon 35 is replaced by proline, an amino acid with similar properties. This amino acid position is conserved. In addition, this alteration is predicted to be tolerated by in silico analysis. Since supporting evidence is limited at this time, the clinical significance of this alteration remains unclear.